The following is an entry in ClinVar:

NM_000340.2(SLC2A2):c.329C>T (p.Thr110Ile)

Gene: SLC2A2 (solute carrier family 2 member 2; minus strand). Cytogenetic location: 3q26.2.
Variant type: single nucleotide variant.
Coding change: c.329C>T on transcript NM_000340.2 (MANE Select); coding-DNA position 329, C replaced by T.
Protein change: p.Thr110Ile; replaces threonine 110 with isoleucine.
Molecular consequence: missense variant. On other transcripts: 5 prime UTR variant (1), intron variant (1).
Genome position (GRCh38, 1-based): chr3:171,014,511, G>A on the plus strand (C>T on the coding strand, the complement: SLC2A2 is on the minus strand). VCF-style: chr3-171014511-G-A. GRCh37 (hg19) VCF-style: chr3-170732300-G-A.
Other names: c.-66C>T (NM_001278659.2); c.14+4020C>T (NM_001278658.2); short protein forms T110I.
Identifiers: ClinVar variation 130349 (VCV000130349.24), dbSNP rs5400, ClinGen allele CA020012.

ClinVar aggregate classification (germline): Benign. Review status: criteria provided, multiple submitters, no conflicts (2 of 4 stars). 9 submissions from 9 submitters: Benign (7). 2 of the submissions do not count toward it. Last evaluated 2026-02-04.

Conditions:
Fanconi-Bickel syndrome (FBS). Also called: Glycogen storage disease due to GLUT2 deficiency; FANCONI SYNDROME WITH INTESTINAL MALABSORPTION AND GALACTOSE INTOLERANCE; HEPATIC GLYCOGENOSIS WITH AMINO ACIDURIA AND GLUCOSURIA; HEPATIC GLYCOGENOSIS WITH FANCONI NEPHROPATHY; HEPATORENAL GLYCOGENOSIS WITH RENAL FANCONI SYNDROME; PSEUDO-PHLORIZIN DIABETES. Identifiers: Orphanet 2088, MedGen C3495427, MONDO:0009216, OMIM 227810.

Allele frequency attached by ClinVar (database versions not stated): gnomAD exomes 0.13418 and 0.14651; ExAC 0.15396; 1000 Genomes Project 0.21526; gnomAD 0.22370 and 0.23124; 1000 Genomes Project 30x 0.22814; TOPMed 0.23410; ESP Exome Variant Server 0.23966.
gnomAD v4.1: 230,687 of 1,613,530 alleles (14%); highest among the groups gnomAD compares: African/African-American, 46%; 21,251 homozygotes.

Submissions (9):

Labcorp Genetics (formerly Invitae), Labcorp
Classification: Benign for Fanconi-Bickel syndrome. Last evaluated: 2026-02-04. Review status: criteria provided, single submitter. Criteria: Invitae Variant Classification Sherloc (09022015). Collection method: clinical testing. Allele origin: germline.

Blueprint Genetics
Classification: Benign. Last evaluated: 2024-11-26. Review status: criteria provided, single submitter. Criteria: ACMG Guidelines, 2015. Collection method: clinical testing. Allele origin: germline.

Mendelics
Classification: Benign for Fanconi-Bickel syndrome. Last evaluated: 2019-05-28. Review status: criteria provided, single submitter. Criteria: Mendelics Assertion Criteria 2017. Collection method: clinical testing. Allele origin: unknown.

Illumina Laboratory Services, Illumina
Classification: Benign for Fanconi-Bickel syndrome. Last evaluated: 2018-03-06. Review status: criteria provided, single submitter. Criteria: ICSL Variant Classification Criteria 13 December 2019. Collection method: clinical testing. Allele origin: germline.
Comment: This variant was observed in the ICSL laboratory as part of a predisposition screen in an ostensibly healthy population. It had not been previously curated by ICSL or reported in the Human Gene Mutation Database (HGMD: prior to June 1st, 2018), and was therefore a candidate for classification through an automated scoring system. Utilizing variant allele frequency, disease prevalence and penetrance estimates, and inheritance mode, an automated score was calculated to assess if this variant is too frequent to cause the disease. Based on the score and internal cut-off values, a variant classified as benign is not then subjected to further curation. The score for this variant resulted in a classification of benign for this disease.

GeneDx
Classification: Benign. Last evaluated: 2015-12-14. Review status: criteria provided, single submitter. Criteria: GeneDx Variant Classification (06012015). Collection method: clinical testing. Allele origin: germline. Affected: yes.
Comment: This variant is considered likely benign or benign based on one or more of the following criteria: it is a conservative change, it occurs at a poorly conserved position in the protein, it is predicted to be benign by multiple in silico algorithms, and/or has population frequency not consistent with disease.

Breakthrough Genomics
Classification: Benign. Review status: criteria provided, single submitter. Criteria: ACMG Guidelines, 2015. Collection method: not provided. Allele origin: germline. Inheritance: Autosomal recessive inheritance. Affected: yes.

PreventionGenetics, part of Exact Sciences
Classification: Benign. Review status: criteria provided, single submitter. Criteria: ACMG Guidelines, 2015. Collection method: clinical testing. Allele origin: germline.

Mayo Clinic Laboratories, Mayo Clinic
Classification: Benign. Last evaluated: 2015-10-22. Review status: no assertion criteria provided. Collection method: clinical testing. Allele origin: unknown. Not counted in ClinVar's aggregate classification.

Genetic Services Laboratory, University of Chicago
Classification: Likely benign for AllHighlyPenetrant. Review status: no assertion criteria provided. Collection method: clinical testing. Allele origin: germline. Inheritance: Autosomal recessive inheritance. Not counted in ClinVar's aggregate classification.
Comment: Likely benign based on allele frequency in 1000 Genomes Project or ESP global frequency and its presence in a patient with a rare or unrelated disease phenotype. NOT Sanger confirmed.